The following is an entry in ClinVar:

ClinVar aggregate classification (germline): Likely benign. Review status: criteria provided, single submitter (1 of 4 stars). 2 submissions from 2 submitters: Likely benign (1). 1 of the submissions does not count toward it. Last evaluated 2022-07-21.

Conditions:
Hereditary sensory and autonomic neuropathy type 6. Also called: Neuropathy, hereditary sensory and autonomic, type VI; HSAN VI. Identifiers: Orphanet 314381, MedGen C3539003, MONDO:0013839, OMIM 614653.
Epidermolysis bullosa simplex 3, localized or generalized intermediate, with BP230 deficiency (EBS3). Also called: Epidermolysis bullosa simplex, autosomal recessive 2; Epidermolysis bullosa simplex due to BP230 deficiency. Identifiers: Orphanet 412181, MedGen C3809470, MONDO:0014180, OMIM 615425.
DST-related disorder. Also called: DST-related condition; DST-related disorders.

Allele frequency attached by ClinVar (database versions not stated): gnomAD exomes below 0.00001 and 0.00002; gnomAD 0.00001; ExAC 0.00002; TOPMed 0.00002.
gnomAD v4.1: 17 of 1,613,954 alleles (0.0011%); highest among the groups gnomAD compares: East Asian, 0.011%; no homozygotes.

Submissions (2):

Labcorp Genetics (formerly Invitae), Labcorp
Classification: Likely benign for Epidermolysis bullosa simplex 3, localized or generalized intermediate, with BP230 deficiency; Hereditary sensory and autonomic neuropathy type 6. Last evaluated: 2022-07-21. Review status: criteria provided, single submitter. Criteria: Invitae Variant Classification Sherloc (09022015). Collection method: clinical testing. Allele origin: germline.

PreventionGenetics, part of Exact Sciences
Classification: Likely benign for DST-related condition. Last evaluated: 2019-08-16. Review status: no assertion criteria provided. Collection method: clinical testing. Allele origin: germline. Not counted in ClinVar's aggregate classification.
Comment: This variant is classified as likely benign based on ACMG/AMP sequence variant interpretation guidelines (Richards et al. 2015 PMID: 25741868, with internal and published modifications).

NM_001374736.1(DST):c.3318C>T (p.Ile1106=)

Gene: DST (dystonin; minus strand). Cytogenetic location: 6p12.1.
Variant type: single nucleotide variant.
Coding change: c.3318C>T on transcript NM_001374736.1 (MANE Select); coding-DNA position 3318, C replaced by T.
Protein change: p.Ile1106=; no amino-acid change (isoleucine 1106 retained).
Molecular consequence: synonymous variant.
Genome position (GRCh38, 1-based): chr6:56,634,822, G>A on the plus strand (C>T on the coding strand, the complement: DST is on the minus strand). VCF-style: chr6-56634822-G-A. GRCh37 (hg19) VCF-style: chr6-56499620-G-A.
Other names: c.3219C>T, p.Ile1073= (NM_001144769.5); c.2805C>T, p.Ile935= (NM_001144770.2); c.3318C>T, p.Ile1106= (NM_001374722.1); c.2685C>T, p.Ile895= (NM_001374729.1, NM_001374730.1, NM_001386100.1 and 1 more transcripts); c.3345C>T, p.Ile1115= (NM_001374734.1); c.1707C>T, p.Ile569= (NM_001723.7, NM_015548.5).
Identifiers: ClinVar variation 707188 (VCV000707188.10), dbSNP rs375817273, ClinGen allele CA3871194.